The following is an entry in ClinVar:

ClinVar aggregate classification (germline): Uncertain significance. Review status: criteria provided, multiple submitters, no conflicts (2 of 4 stars). 2 submissions from 2 submitters: Uncertain significance (2). Last evaluated 2023-12-07.

Conditions:
Inborn genetic diseases. Identifiers: MedGen C0950123, MeSH D030342.
Zellweger spectrum disorders (ZS). Also called: Zellweger Spectrum Disorder; Zellweger Spectrum; Zellweger Spectrum Disorder (ZSD); Zellweger syndrome. Identifiers: Orphanet 912, MedGen C0043459, MONDO:0019609.

Allele frequency attached by ClinVar (database versions not stated): gnomAD exomes 0.00001.
gnomAD v4.1: 10 of 1,536,372 alleles (0.00065%); highest among the groups gnomAD compares: Non-Finnish European, 0.0009%; no homozygotes.

Submissions (2):

Ambry Genetics
Classification: Uncertain significance for Inborn genetic diseases. Last evaluated: 2023-12-07. Review status: criteria provided, single submitter. Criteria: Ambry Variant Classification Scheme 2023. Collection method: clinical testing. Allele origin: germline.

Labcorp Genetics (formerly Invitae), Labcorp
Classification: Uncertain significance for Zellweger spectrum disorders. Last evaluated: 2022-03-10. Review status: criteria provided, single submitter. Criteria: Invitae Variant Classification Sherloc (09022015). Collection method: clinical testing. Allele origin: germline.
Comment: This sequence change replaces serine, which is neutral and polar, with threonine, which is neutral and polar, at codon 1259 of the PEX1 protein (p.Ser1259Thr). This variant is not present in population databases (gnomAD no frequency). This variant has not been reported in the literature in individuals affected with PEX1-related conditions. Advanced modeling of protein sequence and biophysical properties (such as structural, functional, and spatial information, amino acid conservation, physicochemical variation, residue mobility, and thermodynamic stability) performed at Invitae indicates that this missense variant is not expected to disrupt PEX1 protein function. In summary, the available evidence is currently insufficient to determine the role of this variant in disease. Therefore, it has been classified as a Variant of Uncertain Significance.

NM_000466.3(PEX1):c.3776G>C (p.Ser1259Thr)

Genes: GATAD1 (GATA zinc finger domain containing 1; plus strand), PEX1 (peroxisomal biogenesis factor 1; minus strand). Cytogenetic location: 7q21.2.
Variant type: single nucleotide variant.
Coding change: c.3776G>C on transcript NM_000466.3 (MANE Select); coding-DNA position 3776, G replaced by C.
Protein change: p.Ser1259Thr; replaces serine 1259 with threonine.
Molecular consequence: missense variant.
Genome position (GRCh38, 1-based): chr7:92,487,533, C>G on the plus strand (G>C on the coding strand, the complement: PEX1 is on the minus strand). VCF-style: chr7-92487533-C-G. GRCh37 (hg19) VCF-style: chr7-92116847-C-G.
Other names: c.3605G>C, p.Ser1202Thr (NM_001282677.2); c.3152G>C, p.Ser1051Thr (NM_001282678.2); c.3776G>C (NM_000466.2); short protein forms S1051T, S1202T, S1259T.
Identifiers: ClinVar variation 2202050 (VCV002202050.2), dbSNP rs2484602216, ClinGen allele CA368158671.